The following is an entry in ClinVar:

ClinVar aggregate classification (germline): Uncertain significance (1 of 4 stars; one submission).

Submission:

Labcorp Genetics (formerly Invitae), Labcorp
Classification: Uncertain significance. Last evaluated: 2025-01-23. Review status: criteria provided, single submitter. Criteria: Invitae Variant Classification Sherloc (09022015). Collection method: clinical testing. Allele origin: germline.
Comment: This sequence change replaces serine, which is neutral and polar, with tryptophan, which is neutral and slightly polar, at codon 74 of the GNB3 protein (p.Ser74Trp). This variant is present in population databases (no rsID available, gnomAD 0.006%). This variant has not been reported in the literature in individuals affected with GNB3-related conditions. ClinVar contains an entry for this variant (Variation ID: 1060059). Invitae Evidence Modeling of protein sequence and biophysical properties (such as structural, functional, and spatial information, amino acid conservation, physicochemical variation, residue mobility, and thermodynamic stability) indicates that this missense variant is expected to disrupt GNB3 protein function with a positive predictive value of 80%. In summary, the available evidence is currently insufficient to determine the role of this variant in disease. Therefore, it has been classified as a Variant of Uncertain Significance.

NM_002075.4(GNB3):c.221C>G (p.Ser74Trp)

Gene: GNB3 (G protein subunit beta 3; plus strand). Cytogenetic location: 12p13.31.
Variant type: single nucleotide variant.
Coding change: c.221C>G on transcript NM_002075.4 (MANE Select); coding-DNA position 221, C replaced by G.
Protein change: p.Ser74Trp; replaces serine 74 with tryptophan.
Molecular consequence: missense variant.
Genome position (GRCh38, 1-based): chr12:6,843,191, C>G. VCF-style: chr12-6843191-C-G. GRCh37 (hg19) VCF-style: chr12-6952355-C-G.
Other names: c.221C>G, p.Ser74Trp (NM_001297571.2); short protein forms S74W.
Identifiers: ClinVar variation 1060059 (VCV001060059.9), dbSNP rs782659190, ClinGen allele CA383671981.